The following is an entry in ClinVar:

ClinVar aggregate classification (germline): Uncertain significance (1 of 4 stars; one submission).

Conditions:
Cardiovascular phenotype. Identifiers: MedGen CN230736.

Submission:

Ambry Genetics
Classification: Uncertain significance for Cardiovascular phenotype. Last evaluated: 2023-04-03. Review status: criteria provided, single submitter. Criteria: Ambry Variant Classification Scheme 2023. Collection method: clinical testing. Allele origin: germline.
Comment: The p.L238S variant (also known as c.713T>C), located in coding exon 6 of the AKAP9 gene, results from a T to C substitution at nucleotide position 713. The leucine at codon 238 is replaced by serine, an amino acid with dissimilar properties. This amino acid position is conserved. In addition, the in silico prediction for this alteration is inconclusive. Since supporting evidence is limited at this time, the clinical significance of this alteration remains unclear.

NM_005751.5(AKAP9):c.713T>C (p.Leu238Ser)

Gene: AKAP9 (A-kinase anchoring protein 9; plus strand). Cytogenetic location: 7q21.2.
Variant type: single nucleotide variant.
Coding change: c.713T>C on transcript NM_005751.5 (MANE Select); coding-DNA position 713, T replaced by C.
Protein change: p.Leu238Ser; replaces leucine 238 with serine.
Molecular consequence: missense variant.
Genome position (GRCh38, 1-based): chr7:91,994,757, T>C. VCF-style: chr7-91994757-T-C. GRCh37 (hg19) VCF-style: chr7-91624071-T-C.
Other names: c.713T>C, p.Leu238Ser (NM_147185.3); short protein forms L238S.
Identifiers: ClinVar variation 2564456 (VCV002564456.2), dbSNP rs2484671748, ClinGen allele CA368120033.